The following is an entry in ClinVar:

ClinVar aggregate classification (germline): not provided (0 of 4 stars; one submission).

Conditions:
Normal pregnancy. Identifiers: MedGen C0232989.

Submission:

Institute of Molecular and Cell Biology, University of Tartu
No classification provided. Condition: Normal pregnancy. Review status: no classification provided. Collection method: case-control. Allele origin: unknown. Affected: yes. Study: Kasak2014.
Comment: The study aimed to determine the contribution of copy number variants in the genetic etiology of normal and complicated pregnancies. The samples represented (i) maternal blood DNA drawn from healthy pregnant women during 1st or 2nd trimester and (ii) maternal and paternal blood DNA drawn at term pregnancy cases representing normal and complicated gestations (severe preeclampsia, PE; gestational diabetes, GD; small-for-gestational age newborn, SGA; large-for-gestational age newborn, LGA). We performed CNV calling based on genome-wide genotyping dataset (Illumina HumanOmniExpress-24-v1 BeadChip) by applying three algorithms, QuantiSNP, GADA (Genome Alteration Detection Algorithm) and CNstream in parallel. The acquired CNV calls were merged with HD-CNV (Hotspot Detector for Copy Number Variants) program and only the CNVs predicted by at least two programs, were considered in subsequent analysis.

Literature cited by the submitters: PubMed 25666259.

NC_000019.10:g.50023639_50401785dup

Genes: IZUMO2 (IZUMO family member 2; minus strand), KCNC3 (potassium voltage-gated channel subfamily C member 3; minus strand), MYH14 (myosin heavy chain 14; plus strand), NAPSA (napsin A aspartic peptidase; minus strand), NR1H2 (nuclear receptor subfamily 1 group H member 2; plus strand) and 43 more. Cytogenetic location: 19q13.33.
Variant type: Duplication.
Identifiers: ClinVar variation 157456 (VCV000157456.2).